The following is an entry in ClinVar:

NM_002528.7(NTHL1):c.742A>C (p.Thr248Pro)

Gene: NTHL1 (nth like DNA glycosylase 1; minus strand). Cytogenetic location: 16p13.3.
Variant type: single nucleotide variant.
Coding change: c.742A>C on transcript NM_002528.7 (MANE Select); coding-DNA position 742, A replaced by C.
Protein change: p.Thr248Pro; replaces threonine 248 with proline.
Molecular consequence: missense variant.
Genome position (GRCh38, 1-based): chr16:2,040,182, T>G on the plus strand (A>C on the coding strand, the complement: NTHL1 is on the minus strand). VCF-style: chr16-2040182-T-G. GRCh37 (hg19) VCF-style: chr16-2090183-T-G.
Other names: c.571A>C, p.Thr191Pro (NM_001318193.2); c.412A>C, p.Thr138Pro (NM_001318194.2); short protein forms T191P, T248P, T138P.
Identifiers: ClinVar variation 2697236 (VCV002697236.3), dbSNP rs2548311943, ClinGen allele CA394288965.
Genomic context (GRCh38, chr16:2,040,182, plus strand): 5'-CATACTCATACCTAGGCAGCCACTCCTCCAGGGCGGCGCGGGTCTCCTCTGGGGACTTGG[T>G]TGCCTTCTTGGTCCACCTCAGCCTGTTGGCGATTCTGTGCACATGCGTGTCCACTGCTGC-3'
Protein context (NP_002519.2, residues 238-258): ANRLRWTKKA[Thr248Pro]KSPEETRAAL

ClinVar aggregate classification (germline): Uncertain significance (1 of 4 stars; one submission).

Submission:

Labcorp Genetics (formerly Invitae), Labcorp
Classification: Uncertain significance. Last evaluated: 2023-11-19. Review status: criteria provided, single submitter. Criteria: Invitae Variant Classification Sherloc (09022015). Collection method: clinical testing. Allele origin: germline.
Comment: This sequence change replaces threonine, which is neutral and polar, with proline, which is neutral and non-polar, at codon 256 of the NTHL1 protein (p.Thr256Pro). This variant is not present in population databases (gnomAD no frequency). This variant has not been reported in the literature in individuals affected with NTHL1-related conditions. An algorithm developed to predict the effect of missense changes on protein structure and function (PolyPhen-2) suggests that this variant is likely to be disruptive. In summary, the available evidence is currently insufficient to determine the role of this variant in disease. Therefore, it has been classified as a Variant of Uncertain Significance.